The following is an entry in ClinVar:

ClinVar aggregate classification (germline): Likely pathogenic (1 of 4 stars; one submission).

Conditions:
Polycystic kidney disease, adult type (PKD1). Also called: Polycystic Kidney Disease 1, Autosomal Dominant; Polycystic kidney disease 1; Polycystic kidney disease 1, severe; Polycystic Kidney, Autosomal Dominant; POLYCYSTIC KIDNEY DISEASE 1 WITH OR WITHOUT POLYCYSTIC LIVER DISEASE; POLYCYSTIC KIDNEY DISEASE, ADULT, TYPE I. Identifiers: MedGen C3149841, MONDO:0008263, OMIM 173900.

Submission:

MVZ Medizinische Genetik Mainz
Classification: Likely pathogenic for Polycystic kidney disease, adult type. Last evaluated: 2022-03-10. Review status: criteria provided, single submitter. Criteria: UK Practice Guidelines For Variant Classification V4 01 2020. Collection method: clinical testing. Allele origin: germline. Inheritance: Autosomal dominant inheritance. Observed: 1 variant allele.
Comment: ACMG Criteria: PM5, PS4_SUP, PM2_SUP, PP3, PP4 (ACMG Version 3)

NM_001009944.3(PKD1):c.9430G>C (p.Gly3144Arg)

Gene: PKD1 (polycystin 1, transient receptor potential channel interacting; minus strand). Cytogenetic location: 16p13.3.
Variant type: single nucleotide variant.
Coding change: c.9430G>C on transcript NM_001009944.3 (MANE Select); coding-DNA position 9430, G replaced by C.
Protein change: p.Gly3144Arg; replaces glycine 3144 with arginine.
Molecular consequence: missense variant.
Genome position (GRCh38, 1-based): chr16:2,100,534, C>G on the plus strand (G>C on the coding strand, the complement: PKD1 is on the minus strand). VCF-style: chr16-2100534-C-G. GRCh37 (hg19) VCF-style: chr16-2150535-C-G.
Other names: c.9430G>C, p.Gly3144Arg (NM_000296.4); short protein forms G3144R.
Identifiers: ClinVar variation 3236778 (VCV003236778.1), dbSNP rs1596515144.